The following is an entry in ClinVar:

ClinVar aggregate classification (germline): Benign. Review status: criteria provided, multiple submitters, no conflicts (2 of 4 stars). 10 submissions from 8 submitters: Benign (10). Last evaluated 2026-02-04.

Conditions:
Congenital myasthenic syndrome 4B. Also called: Myasthenic syndrome, congenital, 4b, fast-channel. Identifiers: Orphanet 590, MedGen C4225369, MONDO:0014586, OMIM 616324.
Congenital myasthenic syndrome (CMS). Also called: Congenital Myasthenic Syndromes. Identifiers: Orphanet 590, MedGen C0751882, MeSH D020294, MONDO:0018940.
Congenital myasthenic syndrome 4A. Also called: MYASTHENIC SYNDROME, CONGENITAL, 4A, SLOW-CHANNEL, AUTOSOMAL RECESSIVE; Myasthenic syndrome, congenital, 4a, slow-channel; CONGENITAL MYASTHENIC SYNDROME TYPE Ia1. Identifiers: Orphanet 590, MedGen C4225413, MONDO:0011600, OMIM 605809.
Congenital myasthenic syndrome 4C (CMS4C). Also called: Myasthenic syndrome, congenital, associated with acetylcholine receptor deficiency. Identifiers: Orphanet 590, MedGen C1837091, MONDO:0012157, OMIM 608931.

Allele frequency attached by ClinVar (database versions not stated): gnomAD exomes 0.14316; ESP Exome Variant Server 0.14659; gnomAD 0.16130 and 0.16257; TOPMed 0.16879; 1000 Genomes Project 30x 0.16896; 1000 Genomes Project 0.17113; ExAC 0.17478.
gnomAD v4.1: 229,101 of 1,608,764 alleles (14%); highest among the groups gnomAD compares: African/African-American, 22%; 16,889 homozygotes.

Submissions (10):

Labcorp Genetics (formerly Invitae), Labcorp
Classification: Benign for Congenital myasthenic syndrome 4A. Last evaluated: 2026-02-04. Review status: criteria provided, single submitter. Criteria: Invitae Variant Classification Sherloc (09022015). Collection method: clinical testing. Allele origin: germline.

Women's Health and Genetics/Laboratory Corporation of America, LabCorp
Classification: Benign. Last evaluated: 2025-06-23. Review status: criteria provided, single submitter. Criteria: LabCorp Variant Classification Summary - May 2015. Collection method: clinical testing. Allele origin: germline.

Blueprint Genetics
Classification: Benign. Last evaluated: 2024-11-28. Review status: criteria provided, single submitter. Criteria: ACMG Guidelines, 2015. Collection method: clinical testing. Allele origin: germline.

Genome-Nilou Lab
Classification: Benign for Congenital myasthenic syndrome 4A. Last evaluated: 2021-07-10. Review status: criteria provided, single submitter. Criteria: ACMG Guidelines, 2015. Collection method: clinical testing. Allele origin: germline. Affected: no.

Genome-Nilou Lab
Classification: Benign for Congenital myasthenic syndrome 4B. Last evaluated: 2021-07-10. Review status: criteria provided, single submitter. Criteria: ACMG Guidelines, 2015. Collection method: clinical testing. Allele origin: germline. Affected: no.

Genome-Nilou Lab
Classification: Benign for Congenital myasthenic syndrome 4C. Last evaluated: 2021-07-10. Review status: criteria provided, single submitter. Criteria: ACMG Guidelines, 2015. Collection method: clinical testing. Allele origin: germline. Affected: no.

Illumina Laboratory Services, Illumina
Classification: Benign for Congenital myasthenic syndrome. Last evaluated: 2018-01-13. Review status: criteria provided, single submitter. Criteria: ICSL Variant Classification Criteria 13 December 2019. Collection method: clinical testing. Allele origin: germline.
Comment: This variant was observed in the ICSL laboratory as part of a predisposition screen in an ostensibly healthy population. It had not been previously curated by ICSL or reported in the Human Gene Mutation Database (HGMD: prior to June 1st, 2018), and was therefore a candidate for classification through an automated scoring system. Utilizing variant allele frequency, disease prevalence and penetrance estimates, and inheritance mode, an automated score was calculated to assess if this variant is too frequent to cause the disease. Based on the score and internal cut-off values, a variant classified as benign is not then subjected to further curation. The score for this variant resulted in a classification of benign for this disease.

GeneDx
Classification: Benign. Last evaluated: 2016-02-04. Review status: criteria provided, single submitter. Criteria: GeneDx Variant Classification (06012015). Collection method: clinical testing. Allele origin: germline. Affected: yes.
Comment: This variant is considered likely benign or benign based on one or more of the following criteria: it is a conservative change, it occurs at a poorly conserved position in the protein, it is predicted to be benign by multiple in silico algorithms, and/or has population frequency not consistent with disease.

Breakthrough Genomics
Classification: Benign. Review status: criteria provided, single submitter. Criteria: ACMG Guidelines, 2015. Collection method: not provided. Allele origin: germline. Inheritance: Autosomal recessive inheritance. Affected: yes.

PreventionGenetics, part of Exact Sciences
Classification: Benign. Review status: criteria provided, single submitter. Criteria: ACMG Guidelines, 2015. Collection method: clinical testing. Allele origin: germline.

NM_000080.4(CHRNE):c.917+15C>G

Genes: C17orf107 (chromosome 17 open reading frame 107; plus strand), CHRNE (cholinergic receptor nicotinic epsilon subunit; minus strand). Cytogenetic location: 17p13.2.
Variant type: single nucleotide variant.
Coding change: c.917+15C>G on transcript NM_000080.4 (MANE Select); 15 bases into the intron after coding-DNA position 917, C replaced by G.
Molecular consequence: intron variant. On other transcripts: 3 prime UTR variant (1).
Genome position (GRCh38, 1-based): chr17:4,900,778, G>C on the plus strand (C>G on the coding strand, the complement: CHRNE is on the minus strand). VCF-style: chr17-4900778-G-C. GRCh37 (hg19) VCF-style: chr17-4804073-G-C.
Other names: c.*245G>C (NM_001145536.2).
Identifiers: ClinVar variation 254903 (VCV000254903.19), dbSNP rs12942540, ClinGen allele CA8314207.